The following is an entry in ClinVar:

NM_005529.7(HSPG2):c.474G>T (p.Gly158=)

Gene: HSPG2 (heparan sulfate proteoglycan 2; minus strand). Cytogenetic location: 1p36.12.
Variant type: single nucleotide variant.
Coding change: c.474G>T on transcript NM_005529.7 (MANE Select); coding-DNA position 474, G replaced by T.
Protein change: p.Gly158=; no amino-acid change (glycine 158 retained).
Molecular consequence: synonymous variant.
Genome position (GRCh38, 1-based): chr1:21,890,081, C>A on the plus strand (G>T on the coding strand, the complement: HSPG2 is on the minus strand). VCF-style: chr1-21890081-C-A. GRCh37 (hg19) VCF-style: chr1-22216574-C-A.
Other names: c.474G>T, p.Gly158= (NM_001291860.2).
Identifiers: ClinVar variation 295910 (VCV000295910.19), dbSNP rs2254358, ClinGen allele CA673865.

ClinVar aggregate classification (germline): Benign. Review status: criteria provided, multiple submitters, no conflicts (2 of 4 stars). 9 submissions from 7 submitters: Benign (9). Last evaluated 2026-02-04.

Conditions:
Lethal Kniest-like syndrome (DDSH). Also called: Dyssegmental Dysplasia. Identifiers: Orphanet 1865, MedGen C1857100, MONDO:0009140, OMIM 224410.
Schwartz-Jampel syndrome. Also called: Myotonic myopathy dwarfism chondrodystrophy and ocular and facial abnormalities. Identifiers: Orphanet 800, MedGen C0036391, MONDO:0009717.

Allele frequency attached by ClinVar (database versions not stated): 1000 Genomes Project 30x 0.44394; 1000 Genomes Project 0.44449; TOPMed 0.51205; gnomAD 0.52823 and 0.53133; ESP Exome Variant Server 0.55028; ExAC 0.57694; gnomAD exomes 0.57741 and 0.64043.
gnomAD v4.1: 1,015,465 of 1,613,166 alleles (63%); highest among the groups gnomAD compares: Middle Eastern, 68%; 328,190 homozygotes.

Submissions (9):

Labcorp Genetics (formerly Invitae), Labcorp
Classification: Benign. Last evaluated: 2026-02-04. Review status: criteria provided, single submitter. Criteria: Invitae Variant Classification Sherloc (09022015). Collection method: clinical testing. Allele origin: germline.

Blueprint Genetics
Classification: Benign. Last evaluated: 2024-11-26. Review status: criteria provided, single submitter. Criteria: ACMG Guidelines, 2015. Collection method: clinical testing. Allele origin: germline.

Genome-Nilou Lab
Classification: Benign for Lethal Kniest-like syndrome. Last evaluated: 2021-08-10. Review status: criteria provided, single submitter. Criteria: ACMG Guidelines, 2015. Collection method: clinical testing. Allele origin: germline. Affected: no.

Genome-Nilou Lab
Classification: Benign for Schwartz-Jampel syndrome type 1. Last evaluated: 2021-08-10. Review status: criteria provided, single submitter. Criteria: ACMG Guidelines, 2015. Collection method: clinical testing. Allele origin: germline. Affected: no.

Athena Diagnostics
Classification: Benign. Last evaluated: 2019-02-08. Review status: criteria provided, single submitter. Criteria: Athena Diagnostics Criteria. Collection method: clinical testing. Allele origin: germline.

GeneDx
Classification: Benign. Last evaluated: 2018-08-23. Review status: criteria provided, single submitter. Criteria: GeneDx Variant Classification Process June 2021. Collection method: clinical testing. Allele origin: germline. Affected: yes.

Illumina Laboratory Services, Illumina
Classification: Benign for Lethal Kniest-like syndrome. Last evaluated: 2018-01-12. Review status: criteria provided, single submitter. Criteria: ICSL Variant Classification Criteria 13 December 2019. Collection method: clinical testing. Allele origin: germline.
Comment: This variant was observed in the ICSL laboratory as part of a predisposition screen in an ostensibly healthy population. It had not been previously curated by ICSL or reported in the Human Gene Mutation Database (HGMD: prior to June 1st, 2018), and was therefore a candidate for classification through an automated scoring system. Utilizing variant allele frequency, disease prevalence and penetrance estimates, and inheritance mode, an automated score was calculated to assess if this variant is too frequent to cause the disease. Based on the score and internal cut-off values, a variant classified as benign is not then subjected to further curation. The score for this variant resulted in a classification of benign for this disease.

Illumina Laboratory Services, Illumina
Classification: Benign for Schwartz-Jampel syndrome type 1. Last evaluated: 2018-01-12. Review status: criteria provided, single submitter. Criteria: ICSL Variant Classification Criteria 13 December 2019. Collection method: clinical testing. Allele origin: germline.
Comment: the same text as in the submission from Illumina Laboratory Services, Illumina above.

Breakthrough Genomics
Classification: Benign. Review status: criteria provided, single submitter. Criteria: ACMG Guidelines, 2015. Collection method: not provided. Allele origin: germline. Inheritance: Autosomal recessive inheritance. Affected: yes.